The following is an entry in ClinVar:

ClinVar aggregate classification (germline): Uncertain significance (1 of 4 stars; one submission).

Submission:

Labcorp Genetics (formerly Invitae), Labcorp
Classification: Uncertain significance. Last evaluated: 2025-08-16. Review status: criteria provided, single submitter. Criteria: Invitae Variant Classification Sherloc (09022015). Collection method: clinical testing. Allele origin: germline.
Comment: This sequence change replaces glutamic acid, which is acidic and polar, with lysine, which is basic and polar, at codon 168 of the SLC4A1 protein (p.Glu168Lys). This variant is not present in population databases (gnomAD no frequency). This variant has not been reported in the literature in individuals affected with SLC4A1-related conditions. Invitae Evidence Modeling of protein sequence and biophysical properties (such as structural, functional, and spatial information, amino acid conservation, physicochemical variation, residue mobility, and thermodynamic stability) indicates that this missense variant is not expected to disrupt SLC4A1 protein function with a negative predictive value of 80%. In summary, the available evidence is currently insufficient to determine the role of this variant in disease. Therefore, it has been classified as a Variant of Uncertain Significance.

NM_000342.4(SLC4A1):c.502G>A (p.Glu168Lys)

Gene: SLC4A1 (solute carrier family 4 member 1 (Diego blood group); minus strand). Cytogenetic location: 17q21.31.
Variant type: single nucleotide variant.
Coding change: c.502G>A on transcript NM_000342.4 (MANE Select); coding-DNA position 502, G replaced by A.
Protein change: p.Glu168Lys; replaces glutamic acid 168 with lysine.
Molecular consequence: missense variant.
Genome position (GRCh38, 1-based): chr17:44,259,916, C>T on the plus strand (G>A on the coding strand, the complement: SLC4A1 is on the minus strand). VCF-style: chr17-44259916-C-T. GRCh37 (hg19) VCF-style: chr17-42337284-C-T.
Other names: short protein forms E168K.
Identifiers: ClinVar variation 4772334 (VCV004772334.1).